The following is an entry in ClinVar:

ClinVar aggregate classification (germline): Uncertain significance (1 of 4 stars; one submission).

Conditions:
Retinitis pigmentosa 71 (RP71). Identifiers: Orphanet 791, MedGen C4225342, MONDO:0014618, OMIM 616394.
Short-rib thoracic dysplasia 10 with or without polydactyly (SRTD10). Identifiers: Orphanet 474, MedGen C3810175, MONDO:0014284, OMIM 615630.

Submission:

Labcorp Genetics (formerly Invitae), Labcorp
Classification: Uncertain significance for Retinitis pigmentosa 71; Short-rib thoracic dysplasia 10 with or without polydactyly. Last evaluated: 2022-06-22. Review status: criteria provided, single submitter. Criteria: Invitae Variant Classification Sherloc (09022015). Collection method: clinical testing. Allele origin: germline.
Comment: Algorithms developed to predict the effect of missense changes on protein structure and function are either unavailable or do not agree on the potential impact of this missense change (SIFT: "Deleterious"; PolyPhen-2: "Possibly Damaging"; Align-GVGD: "Class C0"). In summary, the available evidence is currently insufficient to determine the role of this variant in disease. Therefore, it has been classified as a Variant of Uncertain Significance. This variant has not been reported in the literature in individuals affected with IFT172-related conditions. This variant is not present in population databases (gnomAD no frequency). This sequence change replaces lysine, which is basic and polar, with asparagine, which is neutral and polar, at codon 937 of the IFT172 protein (p.Lys937Asn).

NM_015662.3(IFT172):c.2811G>T (p.Lys937Asn)

Genes: IFT172 (intraflagellar transport 172; minus strand), LOC126806174 (CDK7 strongly-dependent group 2 enhancer GRCh37_chr2:27681686-27682885; plus strand). Cytogenetic location: 2p23.3.
Variant type: single nucleotide variant.
Coding change: c.2811G>T on transcript NM_015662.3 (MANE Select); coding-DNA position 2811, G replaced by T.
Protein change: p.Lys937Asn; replaces lysine 937 with asparagine.
Molecular consequence: missense variant.
Genome position (GRCh38, 1-based): chr2:27,458,845, C>A on the plus strand (G>T on the coding strand, the complement: IFT172 is on the minus strand). VCF-style: chr2-27458845-C-A. GRCh37 (hg19) VCF-style: chr2-27681712-C-A.
Other names: c.2745G>T, p.Lys915Asn (NM_001410739.1); short protein forms K915N, K937N.
Identifiers: ClinVar variation 2009445 (VCV002009445.4), dbSNP rs1666401548, ClinGen allele CA346381661.